The following is an entry in ClinVar:

ClinVar aggregate classification (germline): Uncertain significance. Review status: criteria provided, multiple submitters, no conflicts (2 of 4 stars). 2 submissions from 2 submitters: Uncertain significance (2). Last evaluated 2023-09-12.

Conditions:
Ehlers-Danlos syndrome, spondylodysplastic type, 3. Also called: Ehlers-Danlos syndrome, spondylocheirodysplastic type. Identifiers: Orphanet 157965, MedGen C2676510, MONDO:0012873, OMIM 612350.
Inborn genetic diseases. Identifiers: MedGen C0950123, MeSH D030342.

Allele frequency attached by ClinVar (database versions not stated): TOPMed 0.00002; ExAC 0.00003; gnomAD 0.00003.

Submissions (2):

Ambry Genetics
Classification: Uncertain significance for Inborn genetic diseases. Last evaluated: 2023-09-12. Review status: criteria provided, single submitter. Criteria: Ambry Variant Classification Scheme 2023. Collection method: clinical testing. Allele origin: germline.

Labcorp Genetics (formerly Invitae), Labcorp
Classification: Uncertain significance for Ehlers-Danlos syndrome, spondylodysplastic type, 3. Last evaluated: 2022-03-01. Review status: criteria provided, single submitter. Criteria: Invitae Variant Classification Sherloc (09022015). Collection method: clinical testing. Allele origin: germline.
Comment: In summary, the available evidence is currently insufficient to determine the role of this variant in disease. Therefore, it has been classified as a Variant of Uncertain Significance. Algorithms developed to predict the effect of missense changes on protein structure and function are either unavailable or do not agree on the potential impact of this missense change (SIFT: "Tolerated"; PolyPhen-2: "Possibly Damaging"; Align-GVGD: "Class C0"). This variant has not been reported in the literature in individuals affected with SLC39A13-related conditions. This variant is present in population databases (rs755673358, gnomAD 0.07%). This sequence change replaces alanine, which is neutral and non-polar, with threonine, which is neutral and polar, at codon 294 of the SLC39A13 protein (p.Ala294Thr).

NM_001128225.3(SLC39A13):c.880G>A (p.Ala294Thr)

Gene: SLC39A13 (solute carrier family 39 member 13; plus strand). Cytogenetic location: 11p11.2.
Variant type: single nucleotide variant.
Coding change: c.880G>A on transcript NM_001128225.3 (MANE Select); coding-DNA position 880, G replaced by A.
Protein change: p.Ala294Thr; replaces alanine 294 with threonine.
Molecular consequence: missense variant. On other transcripts: non-coding transcript variant (1).
Genome position (GRCh38, 1-based): chr11:47,414,870, G>A. VCF-style: chr11-47414870-G-A. GRCh37 (hg19) VCF-style: chr11-47436421-G-A.
Other names: c.880G>A (NM_152264.4); c.880G>A, p.Ala294Thr (NM_001330245.2, NM_152264.5); short protein forms A294T.
Identifiers: ClinVar variation 2142094 (VCV002142094.4), dbSNP rs755673358, ClinGen allele CA5975971.